The following is an entry in ClinVar:

ClinVar aggregate classification (germline): Uncertain significance. Review status: criteria provided, multiple submitters, no conflicts (2 of 4 stars). 4 submissions from 4 submitters: Uncertain significance (4). Last evaluated 2026-05-03.

Conditions:
IFT88-related disorder. Also called: IFT88-related condition.

Allele frequency attached by ClinVar (database versions not stated): ESP Exome Variant Server 0.00038; 1000 Genomes Project 30x 0.00047; 1000 Genomes Project 0.00060; TOPMed 0.00064; gnomAD 0.00074 and 0.00076; gnomAD exomes 0.00092 and 0.00108; ExAC 0.00096.
gnomAD v4.1: 1,596 of 1,528,236 alleles (0.1%); highest among the groups gnomAD compares: Non-Finnish European, 0.12%; 5 homozygotes.

Submissions (4):

PreventionGenetics, part of Exact Sciences
Classification: Uncertain significance for IFT88-related condition. Last evaluated: 2026-05-03. Review status: criteria provided, single submitter. Criteria: ACMG Guidelines, 2015. Collection method: clinical testing. Allele origin: germline.
Comment: The IFT88 c.1549A>G variant is predicted to result in the amino acid substitution p.Lys517Glu. To our knowledge, this variant has not been reported in the literature. This variant is reported in 0.13% of alleles in individuals of European (Non-Finnish) descent in gnomAD. Although we suspect that this variant may be benign, at this time, the clinical significance of this variant is uncertain due to the absence of conclusive functional and genetic evidence.

Labcorp Genetics (formerly Invitae), Labcorp
Classification: Uncertain significance. Last evaluated: 2026-01-26. Review status: criteria provided, single submitter. Criteria: Invitae Variant Classification Sherloc (09022015). Collection method: clinical testing. Allele origin: germline.
Comment: This sequence change replaces lysine, which is basic and polar, with glutamic acid, which is acidic and polar, at codon 517 of the IFT88 protein (p.Lys517Glu). This variant is present in population databases (rs147424880, gnomAD 0.1%), and has an allele count higher than expected for a pathogenic variant. This variant has not been reported in the literature in individuals affected with IFT88-related conditions. ClinVar contains an entry for this variant (Variation ID: 1432327). Experimental studies and prediction algorithms are not available or were not evaluated, and the functional significance of this variant is currently unknown. In summary, the available evidence is currently insufficient to determine the role of this variant in disease. Therefore, it has been classified as a Variant of Uncertain Significance.

Ambry Genetics
Classification: Uncertain significance. Last evaluated: 2022-03-21. Review status: criteria provided, single submitter. Criteria: Ambry Variant Classification Scheme 2023. Collection method: clinical testing. Allele origin: germline.

Breakthrough Genomics
Classification: Uncertain significance. Review status: criteria provided, single submitter. Criteria: ACMG Guidelines, 2015. Collection method: not provided. Allele origin: germline. Inheritance: Unknown mechanism. Affected: yes.

NM_006531.5(IFT88):c.1522A>G (p.Lys508Glu)

Gene: IFT88 (intraflagellar transport 88; plus strand). Cytogenetic location: 13q12.11.
Variant type: single nucleotide variant.
Coding change: c.1522A>G on transcript NM_006531.5 (MANE Select); coding-DNA position 1522, A replaced by G.
Protein change: p.Lys508Glu; replaces lysine 508 with glutamic acid.
Molecular consequence: missense variant. On other transcripts: non-coding transcript variant (4).
Genome position (GRCh38, 1-based): chr13:20,638,467, A>G. VCF-style: chr13-20638467-A-G. GRCh37 (hg19) VCF-style: chr13-21212606-A-G.
Other names: c.1549A>G (NM_175605.3, NM_175605.4); c.1465A>G, p.Lys489Glu (NM_001318491.2, NM_001353575.2); c.1549A>G, p.Lys517Glu (NM_001318493.2, NM_001353565.2, NM_001353566.2 and 2 more transcripts); c.1522A>G, p.Lys508Glu (NM_001353568.2, NM_001353572.2); c.1447A>G, p.Lys483Glu (NM_001353569.2, NM_001353570.2, NM_001353576.2 and 1 more transcripts); c.1420A>G, p.Lys474Glu (NM_001353571.2, NM_001353578.2); c.1378A>G, p.Lys460Glu (NM_001353573.2); c.1363A>G, p.Lys455Glu (NM_001353574.2); and 1 more; short protein forms K297E, K455E, K474E, K508E, K460E, K483E, K489E, K517E.
Identifiers: ClinVar variation 1432327 (VCV001432327.9), dbSNP rs147424880, ClinGen allele CA6905434.